The following is an entry in ClinVar:

ClinVar aggregate classification (germline): Likely benign (1 of 4 stars; one submission).

Submission:

CeGaT Center for Human Genetics Tuebingen
Classification: Likely benign. Last evaluated: 2025-11-01. Review status: criteria provided, single submitter. Criteria: CeGaT Center For Human Genetics Tuebingen Variant Classification Criteria Version 2. Collection method: clinical testing. Allele origin: germline. Affected: yes. Observed: 1 variant allele.
Comment: ADAM22: BP4, BP7

NM_001324418.2(ADAM22):c.240C>T (p.Gly80=)

Gene: ADAM22 (ADAM metallopeptidase domain 22; plus strand). Cytogenetic location: 7q21.12.
Variant type: single nucleotide variant.
Coding change: c.240C>T on transcript NM_001324418.2 (MANE Select); coding-DNA position 240, C replaced by T.
Protein change: p.Gly80=; no amino-acid change (glycine 80 retained).
Molecular consequence: synonymous variant.
Genome position (GRCh38, 1-based): chr7:87,935,180, C>T. VCF-style: chr7-87935180-C-T. GRCh37 (hg19) VCF-style: chr7-87564495-C-T.
Other names: c.237C>T, p.Gly79= (NM_001324417.2, NM_001324419.2, NM_001391978.1 and 2 more transcripts); c.240C>T, p.Gly80= (NM_001324420.2, NM_001324421.2, NM_001391975.1 and 9 more transcripts).
Identifiers: ClinVar variation 4535419 (VCV004535419.6).